The following is an entry in ClinVar:

NM_001367549.1(ATP13A3):c.2572C>T (p.Arg858Cys)

Gene: ATP13A3 (ATPase 13A3; minus strand). Cytogenetic location: 3q29.
Variant type: single nucleotide variant.
Coding change: c.2572C>T on transcript NM_001367549.1 (MANE Select); coding-DNA position 2572, C replaced by T.
Protein change: p.Arg858Cys; replaces arginine 858 with cysteine.
Molecular consequence: missense variant. On other transcripts: non-coding transcript variant (2).
Genome position (GRCh38, 1-based): chr3:194,430,995, G>A on the plus strand (C>T on the coding strand, the complement: ATP13A3 is on the minus strand). VCF-style: chr3-194430995-G-A. GRCh37 (hg19) VCF-style: chr3-194151724-G-A.
Other names: c.2491C>T, p.Arg831Cys (NM_001374836.1); c.2572C>T, p.Arg858Cys (NM_024524.4); short protein forms R858C, R831C.
Identifiers: ClinVar variation 1941597 (VCV001941597.5), dbSNP rs1273960220, ClinGen allele CA355801311.

ClinVar aggregate classification (germline): Uncertain significance (1 of 4 stars; one submission).

gnomAD v4.1: 5 of 1,613,268 alleles (0.00031%); highest among the groups gnomAD compares: Non-Finnish European, 0.00042%; no homozygotes.

Submission:

Labcorp Genetics (formerly Invitae), Labcorp
Classification: Uncertain significance. Last evaluated: 2022-07-15. Review status: criteria provided, single submitter. Criteria: Invitae Variant Classification Sherloc (09022015). Collection method: clinical testing. Allele origin: germline.
Comment: This sequence change replaces arginine, which is basic and polar, with cysteine, which is neutral and slightly polar, at codon 858 of the ATP13A3 protein (p.Arg858Cys). This variant is present in population databases (no rsID available, gnomAD 0.0009%). This variant has not been reported in the literature in individuals affected with ATP13A3-related conditions. Algorithms developed to predict the effect of missense changes on protein structure and function are either unavailable or do not agree on the potential impact of this missense change (SIFT: "Deleterious"; PolyPhen-2: "Probably Damaging"; Align-GVGD: "Class C0"). In summary, the available evidence is currently insufficient to determine the role of this variant in disease. Therefore, it has been classified as a Variant of Uncertain Significance.